The following is an entry in ClinVar:

ClinVar aggregate classification (germline): Uncertain significance (1 of 4 stars; one submission).

Conditions:
Dyskeratosis congenita, autosomal dominant 1 (DKCA1). Also called: Dyskeratosis congenita Scoggins type. Identifiers: Orphanet 1775, MedGen C4551974, MONDO:0007485, OMIM 127550. Inheritance: Variable.

Submission:

Labcorp Genetics (formerly Invitae), Labcorp
Classification: Uncertain significance for Dyskeratosis congenita, autosomal dominant 1. Last evaluated: 2023-08-30. Review status: criteria provided, single submitter. Criteria: Invitae Variant Classification Sherloc (09022015). Collection method: clinical testing. Allele origin: germline.
Comment: In summary, the available evidence is currently insufficient to determine the role of this variant in disease. Therefore, it has been classified as a Variant of Uncertain Significance. This variant has not been reported in the literature in individuals affected with TERC-related conditions. This variant is not present in population databases (gnomAD no frequency). This variant occurs in the TERC gene, which encodes an RNA molecule that does not result in a protein product. This variant is located within the BoxH/ACA scaRNA domain of the TERC RNA component, which is required for telomerase activity (PMID: 21844345).

Literature cited by the submitters: PubMed 21844345.

NC_000003.12:g.169764686C>T

Gene: TERC (telomerase RNA component; minus strand). Cytogenetic location: 3q26.2.
Variant type: single nucleotide variant.
Genome position: GRCh38 VCF-style: chr3-169764686-C-T. GRCh37 (hg19) VCF-style: chr3-169482474-C-T.
Identifiers: ClinVar variation 2807202 (VCV002807202.3), dbSNP rs2108182826, ClinGen allele CA436714905.